The following is an entry in ClinVar:

ClinVar aggregate classification (germline): Benign. Review status: criteria provided, multiple submitters, no conflicts (2 of 4 stars). 3 submissions from 3 submitters: Benign (2). 1 of the submissions does not count toward it. Last evaluated 2026-02-01.

Conditions:
ANKZF1-related disorder. Also called: ANKZF1-related condition.

Allele frequency attached by ClinVar (database versions not stated): gnomAD 0.00113 and 0.00149; TOPMed 0.00124; 1000 Genomes Project 30x 0.00172; ESP Exome Variant Server 0.00172; gnomAD exomes 0.00182 and 0.00252; 1000 Genomes Project 0.00200; ExAC 0.00274.

Submissions (3):

Labcorp Genetics (formerly Invitae), Labcorp
Classification: Benign. Last evaluated: 2026-02-01. Review status: criteria provided, single submitter. Criteria: Invitae Variant Classification Sherloc (09022015). Collection method: clinical testing. Allele origin: germline.

Breakthrough Genomics
Classification: Benign. Review status: criteria provided, single submitter. Criteria: ACMG Guidelines, 2015. Collection method: not provided. Allele origin: germline. Inheritance: Unknown mechanism. Affected: yes.

PreventionGenetics, part of Exact Sciences
Classification: Likely benign for ANKZF1-related condition. Last evaluated: 2020-04-24. Review status: no assertion criteria provided. Collection method: clinical testing. Allele origin: germline. Not counted in ClinVar's aggregate classification.
Comment: This variant is classified as likely benign based on ACMG/AMP sequence variant interpretation guidelines (Richards et al. 2015 PMID: 25741868, with internal and published modifications).

NM_018089.3(ANKZF1):c.1850G>A (p.Arg617Gln)

Gene: ANKZF1 (ankyrin repeat and zinc finger peptidyl tRNA hydrolase 1; plus strand). Cytogenetic location: 2q35.
Variant type: single nucleotide variant.
Coding change: c.1850G>A on transcript NM_018089.3 (MANE Select); coding-DNA position 1850, G replaced by A.
Protein change: p.Arg617Gln; replaces arginine 617 with glutamine.
Molecular consequence: missense variant.
Genome position (GRCh38, 1-based): chr2:219,235,754, G>A. VCF-style: chr2-219235754-G-A. GRCh37 (hg19) VCF-style: chr2-220100476-G-A.
Other names: c.1850G>A, p.Arg617Gln (NM_001042410.2); c.1220G>A, p.Arg407Gln (NM_001282792.2); c.1850G>A (NM_018089.2); short protein forms R617Q, R407Q.
Identifiers: ClinVar variation 709765 (VCV000709765.12), dbSNP rs201069890, ClinGen allele CA2121209.